The following is an entry in ClinVar:

NM_174941.6(CD163L1):c.3393A>G (p.Ala1131=)

Gene: CD163L1 (CD163 molecule like 1; minus strand). Cytogenetic location: 12p13.31.
Variant type: single nucleotide variant.
Coding change: c.3393A>G on transcript NM_174941.6 (MANE Select); coding-DNA position 3393, A replaced by G.
Protein change: p.Ala1131=; no amino-acid change (alanine 1131 retained).
Molecular consequence: synonymous variant.
Genome position (GRCh38, 1-based): chr12:7,374,458, T>C on the plus strand (A>G on the coding strand, the complement: CD163L1 is on the minus strand). VCF-style: chr12-7374458-T-C. GRCh37 (hg19) VCF-style: chr12-7527054-T-C.
Other names: c.3423A>G, p.Ala1141= (NM_001297650.2).
Identifiers: ClinVar variation 2642669 (VCV002642669.24), dbSNP rs1279997668, ClinGen allele CA478206844.

ClinVar aggregate classification (germline): Likely benign (1 of 4 stars; one submission).

Submission:

CeGaT Center for Human Genetics Tuebingen
Classification: Likely benign. Last evaluated: 2026-05-01. Review status: criteria provided, single submitter. Criteria: CeGaT Center For Human Genetics Tuebingen Variant Classification Criteria Version 2. Collection method: clinical testing. Allele origin: germline. Affected: yes. Observed: 2 variant alleles.
Comment: CD163L1: PM2:Supporting, BP4, BP7